The following is an entry in ClinVar:

ClinVar aggregate classification (germline): Uncertain significance. Review status: criteria provided, multiple submitters, no conflicts (2 of 4 stars). 2 submissions from 2 submitters: Uncertain significance (2). Last evaluated 2025-09-29.

Conditions:
LAMB3-related disorder. Also called: LAMB3-related condition.

Allele frequency attached by ClinVar (database versions not stated): ExAC 0.00003; gnomAD 0.00007; TOPMed 0.00007; gnomAD exomes 0.00012.
gnomAD v4.1: 189 of 1,614,086 alleles (0.012%); highest among the groups gnomAD compares: Non-Finnish European, 0.014%; no homozygotes.

Submissions (2):

PreventionGenetics, part of Exact Sciences
Classification: Uncertain significance for LAMB3-related condition. Last evaluated: 2025-09-29. Review status: criteria provided, single submitter. Criteria: ACMG Guidelines, 2015. Collection method: clinical testing. Allele origin: germline.
Comment: The LAMB3 c.2327C>T variant is predicted to result in the amino acid substitution p.Ser776Leu. To our knowledge, this variant has not been reported in the literature. This variant is reported in 0.014% of alleles in individuals of Latino descent in gnomAD. At this time, the clinical significance of this variant is uncertain due to the absence of conclusive functional and genetic evidence.

Labcorp Genetics (formerly Invitae), Labcorp
Classification: Uncertain significance. Last evaluated: 2022-08-06. Review status: criteria provided, single submitter. Criteria: Invitae Variant Classification Sherloc (09022015). Collection method: clinical testing. Allele origin: germline.
Comment: This sequence change replaces serine, which is neutral and polar, with leucine, which is neutral and non-polar, at codon 776 of the LAMB3 protein (p.Ser776Leu). This variant is present in population databases (rs748475714, gnomAD 0.01%). This variant has not been reported in the literature in individuals affected with LAMB3-related conditions. Algorithms developed to predict the effect of missense changes on protein structure and function (SIFT, PolyPhen-2, Align-GVGD) all suggest that this variant is likely to be disruptive. In summary, the available evidence is currently insufficient to determine the role of this variant in disease. Therefore, it has been classified as a Variant of Uncertain Significance.

NM_000228.3(LAMB3):c.2327C>T (p.Ser776Leu)

Gene: LAMB3 (laminin subunit beta 3; minus strand). Cytogenetic location: 1q32.2.
Variant type: single nucleotide variant.
Coding change: c.2327C>T on transcript NM_000228.3 (MANE Select); coding-DNA position 2327, C replaced by T.
Protein change: p.Ser776Leu; replaces serine 776 with leucine.
Molecular consequence: missense variant.
Genome position (GRCh38, 1-based): chr1:209,623,536, G>A on the plus strand (C>T on the coding strand, the complement: LAMB3 is on the minus strand). VCF-style: chr1-209623536-G-A. GRCh37 (hg19) VCF-style: chr1-209796881-G-A.
Other names: c.2327C>T, p.Ser776Leu (NM_001017402.2, NM_001127641.1); c.2327C>T (NM_000228.2); short protein forms S776L.
Identifiers: ClinVar variation 2197441 (VCV002197441.2), dbSNP rs748475714, ClinGen allele CA1375284.